The following is an entry in ClinVar:

ClinVar aggregate classification (germline): Uncertain significance. Review status: criteria provided, multiple submitters, no conflicts (2 of 4 stars). 2 submissions from 2 submitters: Uncertain significance (2). Last evaluated 2023-12-04.

Conditions:
Hereditary cancer-predisposing syndrome. Also called: Neoplastic Syndromes, Hereditary; Tumor predisposition; Hereditary neoplastic syndrome; Hereditary Cancer Syndrome. Identifiers: Orphanet 140162, MedGen C0027672, MeSH D009386, MONDO:0015356.
Hereditary nonpolyposis colorectal neoplasms. Identifiers: MedGen C0009405, MeSH D003123.

Submissions (2):

Color Diagnostics, LLC DBA Color Health
Classification: Uncertain significance for Hereditary cancer-predisposing syndrome. Last evaluated: 2023-12-04. Review status: criteria provided, single submitter. Criteria: ACMG Guidelines, 2015. Collection method: clinical testing. Allele origin: germline.
Comment: This missense variant replaces alanine with serine at codon 390 of the PMS2 protein. Computational prediction suggests that this variant may not impact protein structure and function (internally defined REVEL score threshold <= 0.5, PMID: 27666373). To our knowledge, functional studies have not been reported for this variant. This variant has not been reported in individuals affected with PMS2-related disorders in the literature. This variant has not been identified in the general population by the Genome Aggregation Database (gnomAD). The available evidence is insufficient to determine the role of this variant in disease conclusively. Therefore, this variant is classified as a Variant of Uncertain Significance.

Labcorp Genetics (formerly Invitae), Labcorp
Classification: Uncertain significance for Hereditary nonpolyposis colorectal neoplasms. Last evaluated: 2018-10-29. Review status: criteria provided, single submitter. Criteria: Invitae Variant Classification Sherloc (09022015). Collection method: clinical testing. Allele origin: germline.
Comment: This variant is not present in population databases (ExAC no frequency). In summary, the available evidence is currently insufficient to determine the role of this variant in disease. Therefore, it has been classified as a Variant of Uncertain Significance. Algorithms developed to predict the effect of missense changes on protein structure and function (SIFT, PolyPhen-2, Align-GVGD) all suggest that this variant is likely to be tolerated, but these predictions have not been confirmed by published functional studies and their clinical significance is uncertain. This variant has not been reported in the literature in individuals with PMS2-related disease. This sequence change replaces alanine with serine at codon 390 of the PMS2 protein (p.Ala390Ser). The alanine residue is weakly conserved and there is a moderate physicochemical difference between alanine and serine.

NM_000535.7(PMS2):c.1168G>T (p.Ala390Ser)

Gene: PMS2 (PMS1 homolog 2, mismatch repair system component; minus strand). Cytogenetic location: 7p22.1.
Variant type: single nucleotide variant.
Coding change: c.1168G>T on transcript NM_000535.7 (MANE Select); coding-DNA position 1168, G replaced by T.
Protein change: p.Ala390Ser; replaces alanine 390 with serine.
Molecular consequence: missense variant. On other transcripts: non-coding transcript variant (1).
Genome position (GRCh38, 1-based): chr7:5,987,597, C>A on the plus strand (G>T on the coding strand, the complement: PMS2 is on the minus strand). VCF-style: chr7-5987597-C-A. GRCh37 (hg19) VCF-style: chr7-6027228-C-A.
Other names: c.763G>T, p.Ala255Ser (NM_001322003.2, NM_001322004.2, NM_001322005.2 and 1 more transcripts); c.1012G>T, p.Ala338Ser (NM_001322006.2); c.850G>T, p.Ala284Ser (NM_001322007.2, NM_001322008.2); c.607G>T, p.Ala203Ser (NM_001322010.2); c.235G>T, p.Ala79Ser (NM_001322011.2, NM_001322012.2); c.595G>T, p.Ala199Ser (NM_001322013.2); c.1168G>T, p.Ala390Ser (NM_001322014.2); c.859G>T, p.Ala287Ser (NM_001322015.2); short protein forms A255S, A287S, A203S, A284S, A79S, A338S, A390S, A199S.
Identifiers: ClinVar variation 642858 (VCV000642858.12), dbSNP rs1583323871, ClinGen allele CA366742651.